The following is an entry in ClinVar:

NM_003803.4(MYOM1):c.1066A>C (p.Asn356His)

Gene: MYOM1 (myomesin 1; minus strand). Cytogenetic location: 18p11.31.
Variant type: single nucleotide variant.
Coding change: c.1066A>C on transcript NM_003803.4 (MANE Select); coding-DNA position 1066, A replaced by C.
Protein change: p.Asn356His; replaces asparagine 356 with histidine.
Molecular consequence: missense variant.
Genome position (GRCh38, 1-based): chr18:3,174,165, T>G on the plus strand (A>C on the coding strand, the complement: MYOM1 is on the minus strand). VCF-style: chr18-3174165-T-G. GRCh37 (hg19) VCF-style: chr18-3174163-T-G.
Other names: c.1066A>C, p.Asn356His (NM_019856.2); short protein forms N356H.
Identifiers: ClinVar variation 3666085 (VCV003666085.2).
Genomic context (GRCh38, chr18:3,174,165, plus strand): 5'-ATCTAGCAAACCTACTTTTTACCACAACTGAAGCATATGCCGAAAGCTCTCCTTTAACAT[T>G]CATCGCCGAGGCCCGGTACTGAGCTGTATCTTCAAAATCACATCTGAAAGAACAGACGGA-3'
Protein context (NP_003794.3, residues 346-366): DTAQYRASAM[Asn356His]VKGELSAYAS

ClinVar aggregate classification (germline): Uncertain significance (1 of 4 stars; one submission).

Conditions:
Hypertrophic cardiomyopathy. Also called: HYPERTROPHIC MYOCARDIOPATHY. Identifiers: Orphanet 217569, MedGen C0007194, MeSH D002312, MONDO:0005045, HP:0001639.

Submission:

Labcorp Genetics (formerly Invitae), Labcorp
Classification: Uncertain significance for Hypertrophic cardiomyopathy. Last evaluated: 2024-10-23. Review status: criteria provided, single submitter. Criteria: Invitae Variant Classification Sherloc (09022015). Collection method: clinical testing. Allele origin: germline.
Comment: This sequence change replaces asparagine, which is neutral and polar, with histidine, which is basic and polar, at codon 356 of the MYOM1 protein (p.Asn356His). This variant is not present in population databases (gnomAD no frequency). This variant has not been reported in the literature in individuals affected with MYOM1-related conditions. Invitae Evidence Modeling of protein sequence and biophysical properties (such as structural, functional, and spatial information, amino acid conservation, physicochemical variation, residue mobility, and thermodynamic stability) has been performed for this missense variant. However, the output from this modeling did not meet the statistical confidence thresholds required to predict the impact of this variant on MYOM1 protein function. In summary, the available evidence is currently insufficient to determine the role of this variant in disease. Therefore, it has been classified as a Variant of Uncertain Significance.